The following is an entry in ClinVar:

NM_005045.4(RELN):c.4372C>T (p.Leu1458Phe)

Gene: RELN (reelin; minus strand). Cytogenetic location: 7q22.1.
Variant type: single nucleotide variant.
Coding change: c.4372C>T on transcript NM_005045.4 (MANE Select); coding-DNA position 4372, C replaced by T.
Protein change: p.Leu1458Phe; replaces leucine 1458 with phenylalanine.
Molecular consequence: missense variant.
Genome position (GRCh38, 1-based): chr7:103,574,231, G>A on the plus strand (C>T on the coding strand, the complement: RELN is on the minus strand). VCF-style: chr7-103574231-G-A. GRCh37 (hg19) VCF-style: chr7-103214678-G-A.
Other names: c.4372C>T, p.Leu1458Phe (NM_173054.3); short protein forms L1458F.
Identifiers: ClinVar variation 2013765 (VCV002013765.4), dbSNP rs762107331, ClinGen allele CA4421532.

ClinVar aggregate classification (germline): Uncertain significance (1 of 4 stars; one submission).

Conditions:
Norman-Roberts syndrome (LIS2). Also called: Lissencephaly 2 (Norman-Roberts type). Identifiers: Orphanet 89844, MedGen C0796089, MONDO:0009760, OMIM 257320.
Familial temporal lobe epilepsy 7. Identifiers: Orphanet 101046, MedGen C4225327, MONDO:0014639, OMIM 616436.

Allele frequency attached by ClinVar (database versions not stated): gnomAD exomes below 0.00001; TOPMed below 0.00001; ExAC 0.00001; gnomAD 0.00001.
gnomAD v4.1: 3 of 1,614,010 alleles (0.00019%); highest among the groups gnomAD compares: Non-Finnish European, 0.00025%; no homozygotes.

Submission:

Labcorp Genetics (formerly Invitae), Labcorp
Classification: Uncertain significance for Familial temporal lobe epilepsy 7; Norman-Roberts syndrome. Last evaluated: 2022-09-23. Review status: criteria provided, single submitter. Criteria: Invitae Variant Classification Sherloc (09022015). Collection method: clinical testing. Allele origin: germline.
Comment: This sequence change replaces leucine, which is neutral and non-polar, with phenylalanine, which is neutral and non-polar, at codon 1458 of the RELN protein (p.Leu1458Phe). This variant is present in population databases (rs762107331, gnomAD 0.0009%). This variant has not been reported in the literature in individuals affected with RELN-related conditions. Advanced modeling of protein sequence and biophysical properties (such as structural, functional, and spatial information, amino acid conservation, physicochemical variation, residue mobility, and thermodynamic stability) performed at Invitae indicates that this missense variant is not expected to disrupt RELN protein function. In summary, the available evidence is currently insufficient to determine the role of this variant in disease. Therefore, it has been classified as a Variant of Uncertain Significance.